The following is an entry in ClinVar:

ClinVar aggregate classification (germline): Likely benign (1 of 4 stars; one submission).

Allele frequency attached by ClinVar (database versions not stated): gnomAD exomes 0.00009; ExAC 0.00025; gnomAD 0.00043; TOPMed 0.00083; 1000 Genomes Project 0.00140; 1000 Genomes Project 30x 0.00156.
gnomAD v4.1: 211 of 1,607,132 alleles (0.013%); highest among the groups gnomAD compares: Admixed American, 0.28%; no homozygotes.

Submission:

CeGaT Center for Human Genetics Tuebingen
Classification: Likely benign. Last evaluated: 2024-03-01. Review status: criteria provided, single submitter. Criteria: CeGaT Center For Human Genetics Tuebingen Variant Classification Criteria Version 2. Collection method: clinical testing. Allele origin: germline. Affected: yes. Observed: 1 variant allele.
Comment: CCDC144A: BP4, BP7

NM_001382000.1(CCDC144A):c.696A>G (p.Glu232=)

Gene: CCDC144A (coiled-coil domain containing 144A; plus strand). Cytogenetic location: 17p11.2.
Variant type: single nucleotide variant.
Coding change: c.696A>G on transcript NM_001382000.1 (MANE Select); coding-DNA position 696, A replaced by G.
Protein change: p.Glu232=; no amino-acid change (glutamic acid 232 retained).
Molecular consequence: synonymous variant. On other transcripts: non-coding transcript variant (2).
Genome position (GRCh38, 1-based): chr17:16,707,500, A>G. VCF-style: chr17-16707500-A-G. GRCh37 (hg19) VCF-style: chr17-16610814-A-G.
Other names: c.696A>G, p.Glu232= (NM_014695.3).
Identifiers: ClinVar variation 3025424 (VCV003025424.22), dbSNP rs534183012, ClinGen allele CA8412664.
Genomic context (GRCh38, chr17:16,707,500, plus strand): 5'-TAGTTTAACTGAATGTTTGGATTTTGCAGCAGAACAAGACTCGGAGCTGACATCAGAGGA[A>G]GAGCAAGAAAGACTTAAAGGATGCGAAAATAAGCAGCCACAGGTGTGGAAACATTTAAAC-3'
Protein context (NP_001368929.1, residues 222-242): AEQDSELTSE[Glu232=]EQERLKGCEN